The following is an entry in ClinVar:

NM_004336.5(BUB1):c.1859A>C (p.His620Pro)

Gene: BUB1 (BUB1 mitotic checkpoint serine/threonine kinase; minus strand). Cytogenetic location: 2q13.
Variant type: single nucleotide variant.
Coding change: c.1859A>C on transcript NM_004336.5 (MANE Select); coding-DNA position 1859, A replaced by C.
Protein change: p.His620Pro; replaces histidine 620 with proline.
Molecular consequence: missense variant.
Genome position (GRCh38, 1-based): chr2:110,655,756, T>G on the plus strand (A>C on the coding strand, the complement: BUB1 is on the minus strand). VCF-style: chr2-110655756-T-G. GRCh37 (hg19) VCF-style: chr2-111413333-T-G.
Other names: c.1799A>C, p.His600Pro (NM_001278616.2); c.1859A>C, p.His620Pro (NM_001278617.2); short protein forms H600P, H620P.
Identifiers: ClinVar variation 780354 (VCV000780354.11), dbSNP rs148734139, ClinGen allele CA1827957.
Genomic context (GRCh38, chr2:110,655,756, plus strand): 5'-CAAAGTTGGCAGAAGACAGACACTAAAACAGTGTAACACACACCTTTATCTTCTAAAATG[T>G]GCACTGACTCCACTGGAAGCTTGTGGAATGGTGTAGACGCAAGTTGTGCAGCAGATGTGA-3'
Protein context (NP_004327.1, residues 610-630): PFHKLPVESV[His620Pro]ILEDKENVVA

ClinVar aggregate classification (germline): Conflicting classifications of pathogenicity. Review status: criteria provided, conflicting classifications (1 of 4 stars). 3 submissions from 3 submitters: Uncertain significance (1); Likely benign (1). 1 of the submissions does not count toward it. Last evaluated 2025-11-18.

Conditions:
BUB1-related disorder. Also called: BUB1-related condition.

Allele frequency attached by ClinVar (database versions not stated): gnomAD exomes 0.00012 and 0.00031; ExAC 0.00040; 1000 Genomes Project 0.00100; 1000 Genomes Project 30x 0.00109; gnomAD 0.00121 and 0.00129; TOPMed 0.00133; ESP Exome Variant Server 0.00185.
gnomAD v4.1: 347 of 1,613,610 alleles (0.022%); highest among the groups gnomAD compares: African/African-American, 0.45%; 1 homozygote.

Submissions (3):

Labcorp Genetics (formerly Invitae), Labcorp
Classification: Likely benign. Last evaluated: 2025-11-18. Review status: criteria provided, single submitter. Criteria: Invitae Variant Classification Sherloc (09022015). Collection method: clinical testing. Allele origin: germline.

Ambry Genetics
Classification: Uncertain significance. Last evaluated: 2024-09-27. Review status: criteria provided, single submitter. Criteria: Ambry Variant Classification Scheme 2023. Collection method: clinical testing. Allele origin: germline.
Comment: The p.H620P variant (also known as c.1859A>C), located in coding exon 16 of the BUB1 gene, results from an A to C substitution at nucleotide position 1859. The histidine at codon 620 is replaced by proline, an amino acid with similar properties. This amino acid position is conserved. In addition, this alteration is predicted to be tolerated by in silico analysis. Since supporting evidence is limited at this time, the clinical significance of this alteration remains unclear.

PreventionGenetics, part of Exact Sciences
Classification: Likely benign for BUB1-related condition. Last evaluated: 2020-05-22. Review status: no assertion criteria provided. Collection method: clinical testing. Allele origin: germline. Not counted in ClinVar's aggregate classification.
Comment: This variant is classified as likely benign based on ACMG/AMP sequence variant interpretation guidelines (Richards et al. 2015 PMID: 25741868, with internal and published modifications).